The following is an entry in ClinVar:

NM_004958.4(MTOR):c.2650-6A>G

Gene: MTOR (mechanistic target of rapamycin kinase; minus strand). Cytogenetic location: 1p36.22.
Variant type: single nucleotide variant.
Coding change: c.2650-6A>G on transcript NM_004958.4 (MANE Select); 6 bases into the intron before coding-DNA position 2650, A replaced by G.
Molecular consequence: intron variant.
Genome position (GRCh38, 1-based): chr1:11,231,060, T>C on the plus strand (A>G on the coding strand, the complement: MTOR is on the minus strand). VCF-style: chr1-11231060-T-C. GRCh37 (hg19) VCF-style: chr1-11291117-T-C.
Other names: c.2650-6A>G (NM_004958.3, NM_001386500.1); c.1402-6A>G (NM_001386501.1).
Identifiers: ClinVar variation 1128593 (VCV001128593.10), dbSNP rs1157933989, ClinGen allele CA521161638.

ClinVar aggregate classification (germline): Likely benign. Review status: criteria provided, multiple submitters, no conflicts (2 of 4 stars). 2 submissions from 2 submitters: Likely benign (2). Last evaluated 2025-06-23.

Conditions:
MTOR-related disorder. Also called: MTOR-related condition.

Allele frequency attached by ClinVar (database versions not stated): gnomAD exomes 0.00001.
gnomAD v4.1: 4 of 1,614,070 alleles (0.00025%); highest among the groups gnomAD compares: Admixed American, 0.0067%; no homozygotes.

Submissions (2):

PreventionGenetics, part of Exact Sciences
Classification: Likely benign for MTOR-related condition. Last evaluated: 2025-06-23. Review status: criteria provided, single submitter. Criteria: ACMG Guidelines, 2015. Collection method: clinical testing. Allele origin: germline.
Comment: This variant is classified as likely benign based on ACMG/AMP sequence variant interpretation guidelines (Richards et al. 2015 PMID: 25741868, with internal and published modifications).

Labcorp Genetics (formerly Invitae), Labcorp
Classification: Likely benign. Last evaluated: 2024-08-13. Review status: criteria provided, single submitter. Criteria: Invitae Variant Classification Sherloc (09022015). Collection method: clinical testing. Allele origin: germline.